The following is an entry in ClinVar:

NC_000007.13:g.(?_39990241)_(39991471_?)dup

Gene: CDK13 (cyclin dependent kinase 13; plus strand). Cytogenetic location: 7p14.1.
Variant type: Duplication.
Identifiers: ClinVar variation 2424740 (VCV002424740.3).

ClinVar aggregate classification (germline): Uncertain significance (1 of 4 stars; one submission).

Submission:

Labcorp Genetics (formerly Invitae), Labcorp
Classification: Uncertain significance. Last evaluated: 2022-08-05. Review status: criteria provided, single submitter. Criteria: Invitae Variant Classification Sherloc (09022015). Collection method: clinical testing. Allele origin: germline.
Comment: This variant results in a copy number gain of the genomic region encompassing exon(s) 1 of the CDK13 gene. This region includes the initiator codon of the gene. This copy number gain extends beyond the assayed region for this gene and therefore may encompass additional genes. As the precise location of this event is unknown, it may be in tandem or it may be located elsewhere in the genome. This variant has not been reported in the literature in individuals affected with CDK13-related conditions. In summary, the available evidence is currently insufficient to determine the role of this variant in disease. Therefore, it has been classified as a Variant of Uncertain Significance.